The following is an entry in ClinVar:

ClinVar aggregate classification (germline): Uncertain significance (1 of 4 stars; one submission).

Conditions:
Inborn genetic diseases. Identifiers: MedGen C0950123, MeSH D030342.

gnomAD v4.1: 9 of 1,610,246 alleles (0.00056%); highest among the groups gnomAD compares: Non-Finnish European, 0.00059%; no homozygotes.

Submission:

Ambry Genetics
Classification: Uncertain significance for Inborn genetic diseases. Last evaluated: 2024-12-02. Review status: criteria provided, single submitter. Criteria: Ambry Variant Classification Scheme 2023. Collection method: clinical testing. Allele origin: germline.
Comment: The p.H483L variant (also known as c.1448A>T), located in coding exon 7 of the SH2B3 gene, results from an A to T substitution at nucleotide position 1448. The histidine at codon 483 is replaced by leucine, an amino acid with similar properties. This amino acid position is conserved. In addition, this alteration is predicted to be tolerated by in silico analysis. Based on the available evidence, the clinical significance of this variant remains unclear.

NM_005475.3(SH2B3):c.1448A>T (p.His483Leu)

Gene: SH2B3 (SH2B adaptor protein 3; plus strand). Cytogenetic location: 12q24.12.
Variant type: single nucleotide variant.
Coding change: c.1448A>T on transcript NM_005475.3 (MANE Select); coding-DNA position 1448, A replaced by T.
Protein change: p.His483Leu; replaces histidine 483 with leucine.
Molecular consequence: missense variant.
Genome position (GRCh38, 1-based): chr12:111,448,022, A>T. VCF-style: chr12-111448022-A-T. GRCh37 (hg19) VCF-style: chr12-111885826-A-T.
Other names: c.842A>T, p.His281Leu (NM_001291424.1); short protein forms H281L, H483L.
Identifiers: ClinVar variation 3440825 (VCV003440825.1).